The following is an entry in ClinVar:

ClinVar aggregate classification (germline): Uncertain significance. Review status: criteria provided, single submitter (1 of 4 stars). 2 submissions from 2 submitters: Uncertain significance (1). 1 of the submissions does not count toward it. Last evaluated 2025-12-06.

Conditions:
Polyglandular autoimmune syndrome, type 1 (APS1). Also called: PGA I; Autoimmune polyendocrinopathy syndrome , type I, with or without reversible metaphyseal dysplasia; Autoimmune polyendocrine syndrome type 1; HYPOADRENOCORTICISM WITH HYPOPARATHYROIDISM AND SUPERFICIAL MONILIASIS; Autoimmune polyendocrinopathy syndrome, type I; Whitaker syndrome. Identifiers: Orphanet 3453, MedGen C0085859, MONDO:0009411, OMIM 240300.

Allele frequency attached by ClinVar (database versions not stated): TOPMed 0.00003.
gnomAD v4.1: 15 of 1,554,142 alleles (0.00097%); highest among the groups gnomAD compares: Middle Eastern, 0.018%; no homozygotes.

Submissions (2):

Labcorp Genetics (formerly Invitae), Labcorp
Classification: Uncertain significance for Polyglandular autoimmune syndrome, type 1. Last evaluated: 2025-12-06. Review status: criteria provided, single submitter. Criteria: Invitae Variant Classification Sherloc (09022015). Collection method: clinical testing. Allele origin: germline.
Comment: This sequence change replaces valine, which is neutral and non-polar, with methionine, which is neutral and non-polar, at codon 362 of the AIRE protein (p.Val362Met). This variant is not present in population databases (gnomAD no frequency). This variant has not been reported in the literature in individuals affected with AIRE-related conditions. ClinVar contains an entry for this variant (Variation ID: 969201). Invitae Evidence Modeling of protein sequence and biophysical properties (such as structural, functional, and spatial information, amino acid conservation, physicochemical variation, residue mobility, and thermodynamic stability) indicates that this missense variant is not expected to disrupt AIRE protein function with a negative predictive value of 95%. In summary, the available evidence is currently insufficient to determine the role of this variant in disease. Therefore, it has been classified as a Variant of Uncertain Significance.

Natera, Inc.
Classification: Uncertain significance for Polyglandular autoimmune syndrome type 1. Last evaluated: 2020-11-10. Review status: no assertion criteria provided. Collection method: clinical testing. Allele origin: germline. Not counted in ClinVar's aggregate classification.

NM_000383.4(AIRE):c.1084G>A (p.Val362Met)

Gene: AIRE (autoimmune regulator; plus strand). Cytogenetic location: 21q22.3.
Variant type: single nucleotide variant.
Coding change: c.1084G>A on transcript NM_000383.4 (MANE Select); coding-DNA position 1084, G replaced by A.
Protein change: p.Val362Met; replaces valine 362 with methionine.
Molecular consequence: missense variant.
Genome position (GRCh38, 1-based): chr21:44,292,390, G>A. VCF-style: chr21-44292390-G-A. GRCh37 (hg19) VCF-style: chr21-45712273-G-A.
Other names: short protein forms V362M.
Identifiers: ClinVar variation 969201 (VCV000969201.8), dbSNP rs763954225, ClinGen allele CA410425221.
Genomic context (GRCh38, chr21:44,292,390, plus strand): 5'-CAGGCAACAGTCCAGGAGGTGCAGCCCCGGGCAGAGGAGCCCCGGCCCCAGGAGCCACCC[G>A]TGGAGACCCCGGTATGGCCACGCCCCCTCCTAGCCGGGCCACCCCTCCTGTCCACATGGC-3'
Protein context (NP_000374.1, residues 352-372): AEEPRPQEPP[Val362Met]ETPLPPGLRS